The following is an entry in ClinVar:

NM_003119.4(SPG7):c.1702_1706del (p.Gln568fs)

Gene: SPG7 (SPG7 matrix AAA peptidase subunit, paraplegin; plus strand). Cytogenetic location: 16q24.3.
Variant type: Deletion.
Coding change: c.1702_1706del on transcript NM_003119.4 (MANE Select); coding-DNA positions 1702 to 1706, 5 bases deleted (CAGAA; older notation c.1702_1706delCAGAA).
Protein change: p.Gln568fs; shifts the reading frame from glutamine 568.
Molecular consequence: frameshift variant.
Genome position (GRCh38, 1-based): chr16:89,550,532-89,550,536, CAGAA deleted; deleting any 5 consecutive bases within chr16:89,550,528-89,550,536 gives the same sequence; the c. name uses the placement nearest the transcript's 3' end. VCF-style (leftmost placement, unchanged base first): chr16-89550527-AAGAAC-A. GRCh37 (hg19) VCF-style: chr16-89616935-AAGAAC-A.
Other names: c.1702_1706del, p.Gln568fs (NM_001363850.1); c.1698_1702del (NM_003119.4); c.1702_1706del (NM_003119.2); short protein forms Q568fs.
Identifiers: ClinVar variation 989128 (VCV000989128.2), dbSNP rs2152411067, ClinGen allele CA2499223805.
Genomic context (GRCh38, chr16:89,550,527, plus strand): 5'-CCAACTCATACCCCGGCATTCTTTCAGGGACTGCCAAAAAGAGCAAGATCCTGTCCAAGG[AAGAAC>A]AGAAAGTGGTTGCGTTTCATGAGTCGGGCCACGCCTTGGTGGGCTGGATGCTGGAGCACA-3'

ClinVar aggregate classification (germline): Pathogenic. Review status: criteria provided, multiple submitters, no conflicts (2 of 4 stars). 2 submissions from 2 submitters: Pathogenic (2). Last evaluated 2022-01-01.

Conditions:
Hereditary spastic paraplegia 7 (SPG7). Also called: SPASTIC PARAPLEGIA 7, AUTOSOMAL RECESSIVE, WITH OR WITHOUT CEREBELLAR ATAXIA; Spastic paraplegia 7; Hereditary spastic paraplegia Paraplegin type; Autosomal recessive spastic paraplegia type 7; SPG7-related neurologic disorder. Identifiers: Orphanet 99013, MedGen C1846564, MONDO:0011803, OMIM 607259.

Submissions (2):

PROSPAX: an integrated multimodal progression  chart in spastic ataxias, Center for Neurology; Hertie-Institute for Clinical Brain Research
Classification: Pathogenic for Hereditary spastic paraplegia 7. Last evaluated: 2022-01-01. Review status: criteria provided, single submitter. Criteria: ACMG Guidelines, 2015. Collection method: research. Allele origin: germline. Affected: yes.
Comment: Variant seen in compound het: [c.1454_1462del;c.1702_1706del]

Paris Brain Institute, Inserm - ICM
Classification: Pathogenic for Hereditary spastic paraplegia 7. Review status: criteria provided, single submitter. Criteria: ACMG Guidelines, 2015. Collection method: clinical testing. Allele origin: unknown. Affected: yes. Observed: 1 variant allele.